The following is an entry in ClinVar:

NM_014915.3(ANKRD26):c.1735G>A (p.Asp579Asn)

Gene: ANKRD26 (ankyrin repeat domain 26; minus strand). Cytogenetic location: 10p12.1.
Variant type: single nucleotide variant.
Coding change: c.1735G>A on transcript NM_014915.3 (MANE Select); coding-DNA position 1735, G replaced by A.
Protein change: p.Asp579Asn; replaces aspartic acid 579 with asparagine.
Molecular consequence: missense variant.
Genome position (GRCh38, 1-based): chr10:27,048,880, C>T on the plus strand (G>A on the coding strand, the complement: ANKRD26 is on the minus strand). VCF-style: chr10-27048880-C-T. GRCh37 (hg19) VCF-style: chr10-27337809-C-T.
Other names: c.1735G>A, p.Asp579Asn (NM_001256053.2); short protein forms D579N.
Identifiers: ClinVar variation 4579559 (VCV004579559.1).

ClinVar aggregate classification (germline): Uncertain significance (1 of 4 stars; one submission).

Conditions:
Inborn genetic diseases. Identifiers: MedGen C0950123, MeSH D030342.

Submission:

Ambry Genetics
Classification: Uncertain significance for Inborn genetic diseases. Last evaluated: 2025-10-21. Review status: criteria provided, single submitter. Criteria: Ambry Variant Classification Scheme 2023. Collection method: clinical testing. Allele origin: germline.
Comment: The p.D579N variant (also known as c.1735G>A), located in coding exon 17 of the ANKRD26 gene, results from a G to A substitution at nucleotide position 1735. The aspartic acid at codon 579 is replaced by asparagine, an amino acid with highly similar properties. This amino acid position is conserved. In addition, this alteration is predicted to be tolerated by in silico analysis. Based on the available evidence, the clinical significance of this variant remains unclear.